The following is an entry in ClinVar:

ClinVar aggregate classification (germline): Uncertain significance. Review status: reviewed by expert panel (3 of 4 stars). 2 submissions from 2 submitters: Uncertain significance (1). 1 of the submissions does not count toward it. Last evaluated 2024-07-29.

Conditions:
T-cell immunodeficiency, congenital alopecia, and nail dystrophy. Also called: Congenital alopecia and nail dystrophy associated with severe functional T-cell immunodeficiency; Pignata Guarino syndrome. Identifiers: Orphanet 169095, MedGen C1866426, MONDO:0011132, OMIM 601705.

Submissions (2):

ClinGen Severe Combined Immunodeficiency Variant Curation Expert Panel, ClinGen
Classification: Uncertain significance for T-cell immunodeficiency, congenital alopecia, and nail dystrophy. Last evaluated: 2024-07-29. Review status: reviewed by expert panel. Criteria: ClinGen SCID ACMG Specifications FOXN1 V1.0.0. Collection method: curation. Allele origin: germline. Inheritance: Semidominant inheritance.
Comment: NM_001369369.1(FOXN1):c.1850_1854del (p.Tyr617CysfsTer?) is a frameshift variant in the final exon which alters the remaining 5% of the protein and is predicted to cause a stop loss with elongation of the protein by 124 amino acids (PM4). This variant is absent from gnomADv2.1.1 (PM2_supporting). Functional analysis was performed in a luciferase reporter construct, which was cotransfected into heterologous cells with an expression vector containing mutant or wild-type FOXN1. This variant had 32% luciferase activity compared to wild-type, which is below the <50% threshold for PS3_Moderate (PMID: 37419334). One patient has been reported heterozygous for this variant (P25 in PMID: 31447097) however there was insufficient phenotypic information to determine if it is specific to FOXN1. In summary this variant meets criteria to be classified as uncertain significance for semidominant T-cell immunodeficiency, congenital alopecia, and nail dystrophy due to FOXN1 deficiency based on the ACMG/AMP criteria applied: PM4, PM2_Supporting, PS3_Moderate as specified by the ClinGen SCID VCEP FOXN1 subgroup.

Labcorp Genetics (formerly Invitae), Labcorp
Classification: Uncertain significance for T-cell immunodeficiency, congenital alopecia, and nail dystrophy. Last evaluated: 2019-01-28. Review status: criteria provided, single submitter. Criteria: Invitae Variant Classification Sherloc (09022015). Collection method: clinical testing. Allele origin: germline. Not counted in ClinVar's aggregate classification.
Comment: In summary, the available evidence is currently insufficient to determine the role of this variant in disease. Therefore, it has been classified as a Variant of Uncertain Significance. This variant has not been reported in the literature in individuals with FOXN1-related conditions. This variant is not present in population databases (ExAC no frequency). This sequence change results in a frameshift in the FOXN1 gene (p.Tyr617Cysfs*157). While this is not anticipated to result in nonsense mediated decay, it is expected to disrupt the last 32 amino acids of the FOXN1 protein and extend the protein by an additional 125 amino acids.

Literature cited by the submitters: PubMed 37419334 (cited by ClinGen Severe Combined Immunodeficiency Variant Curation Expert Panel, ClinGen).

NM_001369369.1(FOXN1):c.1850_1854del (p.Tyr617fs)

Gene: FOXN1 (forkhead box N1; plus strand). Cytogenetic location: 17q11.2.
Variant type: Deletion.
Coding change: c.1850_1854del on transcript NM_001369369.1 (MANE Select); coding-DNA positions 1850 to 1854, 5 bases deleted (ACTCT; older notation c.1850_1854delACTCT).
Protein change: p.Tyr617fs; shifts the reading frame from tyrosine 617.
Molecular consequence: frameshift variant.
Genome position (GRCh38, 1-based): chr17:28,537,339-28,537,343, ACTCT deleted; deleting any 5 consecutive bases within chr17:28,537,335-28,537,343 gives the same sequence; the c. name uses the placement nearest the transcript's 3' end. VCF-style (leftmost placement, unchanged base first): chr17-28537334-CCTCTA-C. GRCh37 (hg19) VCF-style: chr17-26864352-CCTCTA-C.
Other names: NM_001369369.1(FOXN1):c.1850_1854del; p.Tyr617fs; c.1850_1854del, p.Tyr617fs (NM_003593.3); short protein forms Y617fs.
Identifiers: ClinVar variation 858136 (VCV000858136.8), dbSNP rs2070095771, ClinGen allele CA916081984.